The following is an entry in ClinVar:

NM_004484.4(GPC3):c.168C>G (p.Pro56=)

Gene: GPC3 (glypican 3; minus strand). Cytogenetic location: Xq26.2.
Variant type: single nucleotide variant.
Coding change: c.168C>G on transcript NM_004484.4 (MANE Select); coding-DNA position 168, C replaced by G.
Protein change: p.Pro56=; no amino-acid change (proline 56 retained).
Molecular consequence: synonymous variant.
Genome position (GRCh38, 1-based): chrX:133,985,282, G>C on the plus strand (C>G on the coding strand, the complement: GPC3 is on the minus strand). VCF-style: chrX-133985282-G-C. GRCh37 (hg19) VCF-style: chrX-133119309-G-C.
Other names: c.168C>G, p.Pro56= (NM_001164617.2, NM_001164618.2, NM_001164619.2).
Identifiers: ClinVar variation 543106 (VCV000543106.29), dbSNP rs188592483, ClinGen allele CA10520884.

ClinVar aggregate classification (germline): Benign/Likely benign. Review status: criteria provided, multiple submitters, no conflicts (2 of 4 stars). 9 submissions from 9 submitters: Benign (3); Likely benign (3). 3 of the submissions do not count toward it. Last evaluated 2025-12-13.

Conditions:
Wilms tumor 1 (WT1). Also called: Wilms tumor, somatic. Identifiers: Orphanet 654, MedGen CN033288, MONDO:0008679, OMIM 194070.
GPC3-related disorder. Also called: GPC3-related condition.
Inborn genetic diseases. Identifiers: MedGen C0950123, MeSH D030342.

Allele frequency attached by ClinVar (database versions not stated): gnomAD 0.00005; gnomAD exomes 0.00008; TOPMed 0.00009; ExAC 0.00011; 1000 Genomes Project 30x 0.00083; 1000 Genomes Project 0.00106.
gnomAD v4.1: 65 of 1,209,667 alleles (0.0054%); highest among the groups gnomAD compares: African/African-American, 0.066%; 1 homozygote.

Submissions (9):

Labcorp Genetics (formerly Invitae), Labcorp
Classification: Benign for Wilms tumor 1. Last evaluated: 2025-12-13. Review status: criteria provided, single submitter. Criteria: Invitae Variant Classification Sherloc (09022015). Collection method: clinical testing. Allele origin: germline.

CeGaT Center for Human Genetics Tuebingen
Classification: Likely benign. Last evaluated: 2025-09-01. Review status: criteria provided, single submitter. Criteria: CeGaT Center For Human Genetics Tuebingen Variant Classification Criteria Version 2. Collection method: clinical testing. Allele origin: germline. Affected: yes. Observed: 2 variant alleles.
Comment: GPC3: BP4, BP7, BS2

Blueprint Genetics
Classification: Likely benign. Last evaluated: 2024-10-21. Review status: criteria provided, single submitter. Criteria: ACMG Guidelines, 2015. Collection method: clinical testing. Allele origin: germline.

Women's Health and Genetics/Laboratory Corporation of America, LabCorp
Classification: Benign. Last evaluated: 2021-09-20. Review status: criteria provided, single submitter. Criteria: LabCorp Variant Classification Summary - May 2015. Collection method: clinical testing. Allele origin: germline.

Ambry Genetics
Classification: Likely benign for Inborn genetic diseases. Last evaluated: 2019-02-09. Review status: criteria provided, single submitter. Criteria: Ambry Variant Classification Scheme 2023. Collection method: clinical testing. Allele origin: germline.

Breakthrough Genomics
Classification: Benign. Review status: criteria provided, single submitter. Criteria: ACMG Guidelines, 2015. Collection method: not provided. Allele origin: germline. Inheritance: X-linked inheritance. Affected: yes.

PreventionGenetics, part of Exact Sciences
Classification: Likely benign for GPC3-related condition. Last evaluated: 2024-08-24. Review status: no assertion criteria provided. Collection method: clinical testing. Allele origin: germline. Not counted in ClinVar's aggregate classification.
Comment: This variant is classified as likely benign based on ACMG/AMP sequence variant interpretation guidelines (Richards et al. 2015 PMID: 25741868, with internal and published modifications).

Clinical Genetics DNA and cytogenetics Diagnostics Lab, Erasmus MC, Erasmus Medical Center
Classification: Likely benign. Review status: no assertion criteria provided. Collection method: clinical testing. Allele origin: germline. Affected: yes. Study: VKGL Data-share Consensus. Not counted in ClinVar's aggregate classification.

Genome Diagnostics Laboratory, University Medical Center Utrecht
Classification: Likely benign. Review status: no assertion criteria provided. Collection method: clinical testing. Allele origin: germline. Affected: yes. Study: VKGL Data-share Consensus. Not counted in ClinVar's aggregate classification.